The following is an entry in ClinVar:

ClinVar aggregate classification (germline): Uncertain significance. Review status: criteria provided, multiple submitters, no conflicts (2 of 4 stars). 2 submissions from 2 submitters: Uncertain significance (2). Last evaluated 2024-12-02.

Conditions:
Inborn genetic diseases. Identifiers: MedGen C0950123, MeSH D030342.
Multiple gastrointestinal atresias. Also called: FAMILIAL INTESTINAL POLYATRESIA SYNDROME; Multiple intestinal atresia. Identifiers: Orphanet 2300, MedGen C0220744, MONDO:0009465.

Allele frequency attached by ClinVar (database versions not stated): gnomAD exomes 0.00001; ExAC 0.00002; gnomAD 0.00002 and 0.00003; TOPMed 0.00003; ESP Exome Variant Server 0.00008.
gnomAD v4.1: 23 of 1,604,962 alleles (0.0014%); highest among the groups gnomAD compares: African/African-American, 0.0067%; no homozygotes.

Submissions (2):

Ambry Genetics
Classification: Uncertain significance for Inborn genetic diseases. Last evaluated: 2024-12-02. Review status: criteria provided, single submitter. Criteria: Ambry Variant Classification Scheme 2023. Collection method: clinical testing. Allele origin: germline.

Labcorp Genetics (formerly Invitae), Labcorp
Classification: Uncertain significance for Multiple gastrointestinal atresias. Last evaluated: 2022-05-31. Review status: criteria provided, single submitter. Criteria: Invitae Variant Classification Sherloc (09022015). Collection method: clinical testing. Allele origin: germline.
Comment: This sequence change replaces glutamine, which is neutral and polar, with arginine, which is basic and polar, at codon 547 of the TTC7A protein (p.Gln547Arg). This variant is present in population databases (rs377335030, gnomAD 0.01%). This variant has not been reported in the literature in individuals affected with TTC7A-related conditions. ClinVar contains an entry for this variant (Variation ID: 958340). Algorithms developed to predict the effect of missense changes on protein structure and function are either unavailable or do not agree on the potential impact of this missense change (SIFT: "Deleterious"; PolyPhen-2: "Probably Damaging"; Align-GVGD: "Class C0"). Algorithms developed to predict the effect of sequence changes on RNA splicing suggest that this variant may disrupt the consensus splice site. In summary, the available evidence is currently insufficient to determine the role of this variant in disease. Therefore, it has been classified as a Variant of Uncertain Significance.

NM_020458.4(TTC7A):c.1640A>G (p.Gln547Arg)

Gene: TTC7A (tetratricopeptide repeat domain 7A; plus strand). Cytogenetic location: 2p21.
Variant type: single nucleotide variant.
Coding change: c.1640A>G on transcript NM_020458.4 (MANE Select); coding-DNA position 1640, A replaced by G.
Protein change: p.Gln547Arg; replaces glutamine 547 with arginine.
Molecular consequence: missense variant.
Genome position (GRCh38, 1-based): chr2:47,024,358, A>G. VCF-style: chr2-47024358-A-G. GRCh37 (hg19) VCF-style: chr2-47251497-A-G.
Other names: c.1640A>G, p.Gln547Arg (NM_001288951.2); c.1538A>G, p.Gln513Arg (NM_001288953.2); c.578A>G, p.Gln193Arg (NM_001288955.2); c.1640A>G (NM_020458.2); short protein forms Q547R, Q513R, Q193R.
Identifiers: ClinVar variation 958340 (VCV000958340.8), dbSNP rs377335030, ClinGen allele CA1647777.